The following is an entry in ClinVar:

ClinVar aggregate classification (germline): Likely benign. Review status: criteria provided, multiple submitters, no conflicts (2 of 4 stars). 2 submissions from 2 submitters: Likely benign (2). Last evaluated 2023-09-27.

Conditions:
Catecholaminergic polymorphic ventricular tachycardia 1. Also called: RYR2-Related Catecholaminergic Polymorphic Ventricular Tachycardia; VENTRICULAR TACHYCARDIA, CATECHOLAMINERGIC POLYMORPHIC, 1, WITH OR WITHOUT ATRIAL DYSFUNCTION AND/OR DILATED CARDIOMYOPATHY; VENTRICULAR TACHYCARDIA, STRESS-INDUCED POLYMORPHIC 1. Identifiers: Orphanet 3286, MedGen C1631597, MONDO:0011484, OMIM 604772.

Allele frequency attached by ClinVar (database versions not stated): gnomAD exomes below 0.00001 and 0.00001; gnomAD 0.00001.
gnomAD v4.1: 4 of 1,552,614 alleles (0.00026%); highest among the groups gnomAD compares: Non-Finnish European, 0.00035%; no homozygotes.

Submissions (2):

Labcorp Genetics (formerly Invitae), Labcorp
Classification: Likely benign for Catecholaminergic polymorphic ventricular tachycardia 1. Last evaluated: 2023-09-27. Review status: criteria provided, single submitter. Criteria: Invitae Variant Classification Sherloc (09022015). Collection method: clinical testing. Allele origin: germline.

GeneDx
Classification: Likely benign. Last evaluated: 2017-09-05. Review status: criteria provided, single submitter. Criteria: GeneDx Variant Classification (06012015). Collection method: clinical testing. Allele origin: germline. Affected: yes.
Comment: This variant is considered likely benign or benign based on one or more of the following criteria: it is a conservative change, it occurs at a poorly conserved position in the protein, it is predicted to be benign by multiple in silico algorithms, and/or has population frequency not consistent with disease.

NM_006073.4(TRDN):c.991+11T>G

Gene: TRDN (triadin; minus strand). Cytogenetic location: 6q22.31.
Variant type: single nucleotide variant.
Coding change: c.991+11T>G on transcript NM_006073.4 (MANE Select); 11 bases into the intron after coding-DNA position 991, T replaced by G.
Molecular consequence: intron variant.
Genome position (GRCh38, 1-based): chr6:123,438,933, A>C on the plus strand (T>G on the coding strand, the complement: TRDN is on the minus strand). VCF-style: chr6-123438933-A-C. GRCh37 (hg19) VCF-style: chr6-123760078-A-C.
Other names: c.991+11T>G (NM_001251987.2).
Identifiers: ClinVar variation 518213 (VCV000518213.4), dbSNP rs1245038855, ClinGen allele CA570342602.